The following is an entry in ClinVar:

ClinVar aggregate classification (germline): Likely pathogenic (1 of 4 stars; one submission).

Conditions:
Distichiasis-lymphedema syndrome. Also called: LYMPHEDEMA WITH DISTICHIASIS. Identifiers: Orphanet 33001, MedGen C0265345, MONDO:0007922, OMIM 153400.

Submission:

3billion
Classification: Likely pathogenic for Distichiasis-lymphedema syndrome. Last evaluated: 2022-05-22. Review status: criteria provided, single submitter. Criteria: ACMG Guidelines, 2015. Collection method: clinical testing. Allele origin: germline. Affected: yes. Observed: 1 heterozygote.
Comment: The variant is not observed in the gnomAD v2.1.1 dataset. Frameshift: predicted to result in a loss or disruption of normal protein function through protein truncation. Multiple pathogenic variants are reported in the predicted truncated region. Therefore, this variant is classified as likely pathogenic according to the recommendation of ACMG/AMP guideline.

NM_005251.3(FOXC2):c.1221del (p.Gln407fs)

Gene: FOXC2 (forkhead box C2; plus strand). Cytogenetic location: 16q24.1.
Variant type: Deletion.
Coding change: c.1221del on transcript NM_005251.3 (MANE Select); coding-DNA position 1221, one base deleted (G; older notation c.1221delG).
Protein change: p.Gln407fs; shifts the reading frame from glutamine 407.
Molecular consequence: frameshift variant.
Genome position (GRCh38, 1-based): chr16:86,568,556, G deleted. VCF-style (leftmost placement, unchanged base first): chr16-86568555-AG-A. GRCh37 (hg19) VCF-style: chr16-86602161-AG-A.
Other names: short protein forms Q407fs.
Identifiers: ClinVar variation 1687211 (VCV001687211.1), dbSNP rs2144020781, ClinGen allele CA2573152861.